The following is an entry in ClinVar:

NM_012452.3(TNFRSF13B):c.199+8C>T

Gene: TNFRSF13B (TNF receptor superfamily member 13B; minus strand). Cytogenetic location: 17p11.2.
Variant type: single nucleotide variant.
Coding change: c.199+8C>T on transcript NM_012452.3 (MANE Select); 8 bases into the intron after coding-DNA position 199, C replaced by T.
Molecular consequence: intron variant.
Genome position (GRCh38, 1-based): chr17:16,952,438, G>A on the plus strand (C>T on the coding strand, the complement: TNFRSF13B is on the minus strand). VCF-style: chr17-16952438-G-A. GRCh37 (hg19) VCF-style: chr17-16855752-G-A.
Other names: c.199+8C>T (NM_012452.2).
Identifiers: ClinVar variation 2075526 (VCV002075526.13), dbSNP rs999691696, ClinGen allele CA288290907.

ClinVar aggregate classification (germline): Likely benign. Review status: criteria provided, multiple submitters, no conflicts (2 of 4 stars). 3 submissions from 3 submitters: Likely benign (2). 1 of the submissions does not count toward it. Last evaluated 2025-12-20.

Conditions:
TNFRSF13B-related disorder. Also called: TNFRSF13B-related condition.
Immunodeficiency, common variable, 2 (CVID2). Also called: ANTIBODY DEFICIENCY DUE TO TACI DEFECT; HYPOGAMMAGLOBULINEMIA DUE TO TACI DEFICIENCY. Identifiers: Orphanet 1572, MedGen C3150354, MONDO:0009413, OMIM 240500.

Allele frequency attached by ClinVar (database versions not stated): gnomAD exomes below 0.00001.

Submissions (3):

Labcorp Genetics (formerly Invitae), Labcorp
Classification: Likely benign for Immunodeficiency, common variable, 2. Last evaluated: 2025-12-20. Review status: criteria provided, single submitter. Criteria: Invitae Variant Classification Sherloc (09022015). Collection method: clinical testing. Allele origin: germline.

CeGaT Center for Human Genetics Tuebingen
Classification: Likely benign. Last evaluated: 2025-04-01. Review status: criteria provided, single submitter. Criteria: CeGaT Center For Human Genetics Tuebingen Variant Classification Criteria Version 2. Collection method: clinical testing. Allele origin: germline. Affected: yes. Observed: 1 variant allele.
Comment: TNFRSF13B: BP4

PreventionGenetics, part of Exact Sciences
Classification: Likely benign for TNFRSF13B-related condition. Last evaluated: 2019-07-31. Review status: no assertion criteria provided. Collection method: clinical testing. Allele origin: germline. Not counted in ClinVar's aggregate classification.
Comment: This variant is classified as likely benign based on ACMG/AMP sequence variant interpretation guidelines (Richards et al. 2015 PMID: 25741868, with internal and published modifications).